The following is an entry in ClinVar:

ClinVar aggregate classification (germline): Uncertain significance (1 of 4 stars; one submission).

Conditions:
Desmin-related myofibrillar myopathy (MFM1). Also called: Desminopathy; Desmin related myopathy (former name); Desmin storage myopathy (former name); Myofibrillar myopathy 1; MYOFIBRILLAR MYOPATHY WITH ARRHYTHMOGENIC RIGHT VENTRICULAR CARDIOMYOPATHY; DESMIN-RELATED MYOPATHY WITH ARRHYTHMOGENIC RIGHT VENTRICULAR CARDIOMYOPATHY. Identifiers: Orphanet 363543, Orphanet 98909, MedGen C1832370, MONDO:0011076, OMIM 601419.

Allele frequency attached by ClinVar (database versions not stated): gnomAD exomes below 0.00001.
gnomAD v4.1: 1 of 1,614,092 alleles (0.000062%); highest among the groups gnomAD compares: Non-Finnish European, 0.000085%; no homozygotes.

Submission:

Labcorp Genetics (formerly Invitae), Labcorp
Classification: Uncertain significance for Desmin-related myofibrillar myopathy. Last evaluated: 2019-07-24. Review status: criteria provided, single submitter. Criteria: Invitae Variant Classification Sherloc (09022015). Collection method: clinical testing. Allele origin: germline.
Comment: In summary, the available evidence is currently insufficient to determine the role of this variant in disease. Therefore, it has been classified as a Variant of Uncertain Significance. Algorithms developed to predict the effect of missense changes on protein structure and function are either unavailable or do not agree on the potential impact of this missense change (SIFT: "Deleterious"; PolyPhen-2: "Possibly Damaging"; Align-GVGD: "Class C15"). This variant has not been reported in the literature in individuals with DES-related conditions. This variant is not present in population databases (ExAC no frequency). This sequence change replaces lysine with glutamic acid at codon 240 of the DES protein (p.Lys240Glu). The lysine residue is highly conserved and there is a small physicochemical difference between lysine and glutamic acid.

NM_001927.4(DES):c.718A>G (p.Lys240Glu)

Gene: DES (desmin; plus strand). Cytogenetic location: 2q35.
Variant type: single nucleotide variant.
Coding change: c.718A>G on transcript NM_001927.4 (MANE Select); coding-DNA position 718, A replaced by G.
Protein change: p.Lys240Glu; replaces lysine 240 with glutamic acid.
Molecular consequence: missense variant. On other transcripts: intron variant (1).
Genome position (GRCh38, 1-based): chr2:219,420,329, A>G. VCF-style: chr2-219420329-A-G. GRCh37 (hg19) VCF-style: chr2-220285051-A-G.
Other names: c.715A>G, p.Lys239Glu (NM_001382708.1); c.718A>G, p.Lys240Glu (NM_001382709.1, NM_001382710.1, NM_001382711.1 and 1 more transcripts); c.496-196A>G (NM_001382713.1); short protein forms K240E, K239E.
Identifiers: ClinVar variation 946760 (VCV000946760.10), dbSNP rs1954413354, ClinGen allele CA350690599.